The following is an entry in ClinVar:

ClinVar aggregate classification (germline): Likely benign (1 of 4 stars; one submission).

Allele frequency attached by ClinVar (database versions not stated): ExAC 0.00001.

Submission:

CeGaT Center for Human Genetics Tuebingen
Classification: Likely benign. Last evaluated: 2023-03-01. Review status: criteria provided, single submitter. Criteria: CeGaT Center For Human Genetics Tuebingen Variant Classification Criteria Version 2. Collection method: clinical testing. Allele origin: germline. Affected: yes. Observed: 1 variant allele.
Comment: PUDP: BP4, BP7

NM_012080.5(PUDP):c.231A>G (p.Glu77=)

Gene: PUDP (pseudouridine 5'-phosphatase; minus strand). Cytogenetic location: Xp22.31.
Variant type: single nucleotide variant.
Coding change: c.231A>G on transcript NM_012080.5 (MANE Select); coding-DNA position 231, A replaced by G.
Protein change: p.Glu77=; no amino-acid change (glutamic acid 77 retained).
Molecular consequence: synonymous variant. On other transcripts: intron variant (1).
Genome position (GRCh38, 1-based): chrX:7,105,669, T>C on the plus strand (A>G on the coding strand, the complement: PUDP is on the minus strand). VCF-style: chrX-7105669-T-C. GRCh37 (hg19) VCF-style: chrX-7023710-T-C.
Other names: c.300A>G, p.Glu100= (NM_001135565.2); c.231A>G, p.Glu77= (NM_001178135.2); c.151+80A>G (NM_001178136.2).
Identifiers: ClinVar variation 2659914 (VCV002659914.24), dbSNP rs781571930, ClinGen allele CA10341798.